The following is an entry in ClinVar:

NM_002519.3(NPAT):c.2671C>T (p.Pro891Ser)

Gene: NPAT (nuclear protein, coactivator of histone transcription; minus strand). Cytogenetic location: 11q22.3.
Variant type: single nucleotide variant.
Coding change: c.2671C>T on transcript NM_002519.3 (MANE Select); coding-DNA position 2671, C replaced by T.
Protein change: p.Pro891Ser; replaces proline 891 with serine.
Molecular consequence: missense variant.
Genome position (GRCh38, 1-based): chr11:108,172,313, G>A on the plus strand (C>T on the coding strand, the complement: NPAT is on the minus strand). VCF-style: chr11-108172313-G-A. GRCh37 (hg19) VCF-style: chr11-108043040-G-A.
Other names: c.2671C>T, p.Pro891Ser (NM_001321307.1); short protein forms P891S.
Identifiers: ClinVar variation 3222547 (VCV003222547.1), dbSNP rs2496716389, ClinGen allele CA382512480.

ClinVar aggregate classification (germline): Uncertain significance (1 of 4 stars; one submission).

Submission:

Ambry Genetics
Classification: Uncertain significance. Last evaluated: 2023-11-21. Review status: criteria provided, single submitter. Criteria: Ambry Variant Classification Scheme 2023. Collection method: clinical testing. Allele origin: germline.
Comment: The p.P891S variant (also known as c.2671C>T), located in coding exon 13 of the NPAT gene, results from a C to T substitution at nucleotide position 2671. The proline at codon 891 is replaced by serine, an amino acid with similar properties. This amino acid position is conserved. In addition, the in silico prediction for this alteration is inconclusive. Since supporting evidence is limited at this time, the clinical significance of this alteration remains unclear.